The following is an entry in ClinVar:

NM_000337.6(SGCD):c.3+19C>T

Gene: SGCD (sarcoglycan delta; plus strand). Cytogenetic location: 5q33.3.
Variant type: single nucleotide variant.
Coding change: c.3+19C>T on transcript NM_000337.6 (MANE Select); 19 bases into the intron after coding-DNA position 3, C replaced by T.
Molecular consequence: intron variant.
Genome position (GRCh38, 1-based): chr5:156,329,598, C>T. VCF-style: chr5-156329598-C-T. GRCh37 (hg19) VCF-style: chr5-155756608-C-T.
Other names: c.-1+2366C>T (NM_001128209.2); c.3+19C>T (NM_172244.3).
Identifiers: ClinVar variation 255870 (VCV000255870.17), dbSNP rs182715924, ClinGen allele CA3530440.

ClinVar aggregate classification (germline): Benign/Likely benign. Review status: criteria provided, multiple submitters, no conflicts (2 of 4 stars). 8 submissions from 7 submitters: Benign (2); Likely benign (6). Last evaluated 2026-02-02.

Conditions:
Autosomal recessive limb-girdle muscular dystrophy type 2F (LGMDR6). Also called: MUSCULAR DYSTROPHY, LIMB-GIRDLE, AUTOSOMAL RECESSIVE 6; Muscular dystrophy limb-girdle with delta-sarcoglyan deficiency. Identifiers: Orphanet 219, MedGen C1832525, MONDO:0011028, OMIM 601287. Disease mechanism: Affects gamma-sarcoglycan and also disrupts the integrity of the entire sarcoglycan complex..
Dilated cardiomyopathy 1L (CMD1L). Identifiers: Orphanet 154, MedGen C1847667, MONDO:0011702, OMIM 606685.

Allele frequency attached by ClinVar (database versions not stated): TOPMed 0.00044; ESP Exome Variant Server 0.00050; 1000 Genomes Project 30x 0.00094; 1000 Genomes Project 0.00100.
gnomAD v4.1: 226 of 1,610,626 alleles (0.014%); highest among the groups gnomAD compares: African/African-American, 0.21%; 3 homozygotes.

Submissions (8):

Labcorp Genetics (formerly Invitae), Labcorp
Classification: Likely benign for Autosomal recessive limb-girdle muscular dystrophy type 2F. Last evaluated: 2026-02-02. Review status: criteria provided, single submitter. Criteria: Invitae Variant Classification Sherloc (09022015). Collection method: clinical testing. Allele origin: germline.

Blueprint Genetics
Classification: Likely benign. Last evaluated: 2024-11-22. Review status: criteria provided, single submitter. Criteria: ACMG Guidelines, 2015. Collection method: clinical testing. Allele origin: germline.

Genome-Nilou Lab
Classification: Likely benign for Autosomal recessive limb-girdle muscular dystrophy type 2F. Last evaluated: 2023-02-08. Review status: criteria provided, single submitter. Criteria: ACMG Guidelines, 2015. Collection method: clinical testing. Allele origin: germline.

Genome-Nilou Lab
Classification: Likely benign for Dilated cardiomyopathy 1L. Last evaluated: 2023-02-08. Review status: criteria provided, single submitter. Criteria: ACMG Guidelines, 2015. Collection method: clinical testing. Allele origin: germline.

Women's Health and Genetics/Laboratory Corporation of America, LabCorp
Classification: Benign. Last evaluated: 2023-01-30. Review status: criteria provided, single submitter. Criteria: LabCorp Variant Classification Summary - May 2015. Collection method: clinical testing. Allele origin: germline.
Comment: Variant summary: SGCD c.3+19C>T alters a non-conserved nucleotide located close to a canonical splice site and therefore could affect mRNA splicing, leading to a significantly altered protein sequence. One in silico splicing tool predicts a benign impact on splicing (TraP). The variant allele was found at a frequency of 0.00012 in 247854 control chromosomes. The observed variant frequency is approximately 4.84 fold of the estimated maximal expected allele frequency for a pathogenic variant in SGCD causing Cardiomyopathy phenotype (2.5e-05), strongly suggesting that the variant is benign. To our knowledge, no occurrence of c.3+19C>T in individuals affected with Cardiomyopathy and no experimental evidence demonstrating its impact on protein function have been reported. Two clinical diagnostic laboratories have submitted clinical-significance assessments for this variant to ClinVar after 2014 without evidence for independent evaluation. Laboratories classified the variant as benign (n=1) or likely benign (n=1). Based on the evidence outlined above, the variant was classified as benign.

GeneDx
Classification: Benign. Last evaluated: 2015-05-14. Review status: criteria provided, single submitter. Criteria: GeneDx Variant Classification (06012015). Collection method: clinical testing. Allele origin: germline. Affected: yes.
Comment: This variant is considered likely benign or benign based on one or more of the following criteria: it is a conservative change, it occurs at a poorly conserved position in the protein, it is predicted to be benign by multiple in silico algorithms, and/or has population frequency not consistent with disease.

Breakthrough Genomics
Classification: Likely benign. Review status: criteria provided, single submitter. Criteria: ACMG Guidelines, 2015. Collection method: not provided. Allele origin: germline. Inheritance: Autosomal recessive inheritance. Affected: yes.

PreventionGenetics, part of Exact Sciences
Classification: Likely benign. Review status: criteria provided, single submitter. Criteria: ACMG Guidelines, 2015. Collection method: clinical testing. Allele origin: germline.